The following is an entry in ClinVar:

ClinVar aggregate classification (germline): Uncertain significance (1 of 4 stars; one submission).

gnomAD v4.1: 3 of 1,613,800 alleles (0.00019%); highest among the groups gnomAD compares: South Asian, 0.0033%; no homozygotes.

Submission:

Ambry Genetics
Classification: Uncertain significance. Last evaluated: 2022-12-25. Review status: criteria provided, single submitter. Criteria: Ambry Variant Classification Scheme 2023. Collection method: clinical testing. Allele origin: germline.
Comment: The p.Y443H variant (also known as c.1327T>C), located in coding exon 7 of the PKP4 gene, results from a T to C substitution at nucleotide position 1327. The tyrosine at codon 443 is replaced by histidine, an amino acid with similar properties. This amino acid position is conserved. In addition, the in silico prediction for this alteration is inconclusive. Since supporting evidence is limited at this time, the clinical significance of this alteration remains unclear.

NM_003628.6(PKP4):c.1327T>C (p.Tyr443His)

Gene: PKP4 (plakophilin 4; plus strand). Cytogenetic location: 2q24.1.
Variant type: single nucleotide variant.
Coding change: c.1327T>C on transcript NM_003628.6 (MANE Select); coding-DNA position 1327, T replaced by C.
Protein change: p.Tyr443His; replaces tyrosine 443 with histidine.
Molecular consequence: missense variant.
Genome position (GRCh38, 1-based): chr2:158,631,926, T>C. VCF-style: chr2-158631926-T-C. GRCh37 (hg19) VCF-style: chr2-159488438-T-C.
Other names: c.1327T>C, p.Tyr443His (NM_001005476.4, NM_001304969.3, NM_001304971.2 and 6 more transcripts); c.301T>C, p.Tyr101His (NM_001304970.3); c.1321T>C, p.Tyr441His (NM_001377222.1, NM_001377223.1, NM_001377224.1); short protein forms Y443H, Y101H, Y441H.
Identifiers: ClinVar variation 2448020 (VCV002448020.2), dbSNP rs2529646092, ClinGen allele CA348908559.